The following is an entry in ClinVar:

NM_001690.4(ATP6V1A):c.220T>G (p.Ser74Ala)

Gene: ATP6V1A (ATPase H+ transporting V1 subunit A; plus strand). Cytogenetic location: 3q13.31.
Variant type: single nucleotide variant.
Coding change: c.220T>G on transcript NM_001690.4 (MANE Select); coding-DNA position 220, T replaced by G.
Protein change: p.Ser74Ala; replaces serine 74 with alanine.
Molecular consequence: missense variant.
Genome position (GRCh38, 1-based): chr3:113,784,232, T>G. VCF-style: chr3-113784232-T-G. GRCh37 (hg19) VCF-style: chr3-113503079-T-G.
Other names: short protein forms S74A.
Identifiers: ClinVar variation 2118151 (VCV002118151.4), dbSNP rs2549719151, ClinGen allele CA354006995.

ClinVar aggregate classification (germline): Uncertain significance (1 of 4 stars; one submission).

Submission:

Labcorp Genetics (formerly Invitae), Labcorp
Classification: Uncertain significance. Last evaluated: 2022-03-27. Review status: criteria provided, single submitter. Criteria: Invitae Variant Classification Sherloc (09022015). Collection method: clinical testing. Allele origin: germline.
Comment: This sequence change replaces serine, which is neutral and polar, with alanine, which is neutral and non-polar, at codon 74 of the ATP6V1A protein (p.Ser74Ala). This variant is not present in population databases (gnomAD no frequency). This variant has not been reported in the literature in individuals affected with ATP6V1A-related conditions. Algorithms developed to predict the effect of missense changes on protein structure and function (SIFT, PolyPhen-2, Align-GVGD) all suggest that this variant is likely to be tolerated. In summary, the available evidence is currently insufficient to determine the role of this variant in disease. Therefore, it has been classified as a Variant of Uncertain Significance.